The following is an entry in ClinVar:

NM_000548.5(TSC2):c.3247C>T (p.Leu1083=)

Gene: TSC2 (TSC complex subunit 2; plus strand). Cytogenetic location: 16p13.3.
Variant type: single nucleotide variant.
Coding change: c.3247C>T on transcript NM_000548.5 (MANE Select); coding-DNA position 3247, C replaced by T.
Protein change: p.Leu1083=; no amino-acid change (leucine 1083 retained).
Molecular consequence: synonymous variant. On other transcripts: non-coding transcript variant (5).
Genome position (GRCh38, 1-based): chr16:2,079,391, C>T. VCF-style: chr16-2079391-C-T. GRCh37 (hg19) VCF-style: chr16-2129392-C-T.
Other names: c.3115C>T, p.Leu1039= (NM_001077183.3, NM_001370404.1, NM_001406665.1); c.3247C>T, p.Leu1083= (NM_001114382.3); c.3007C>T, p.Leu1003= (NM_001318827.2); c.2971C>T, p.Leu991= (NM_001318829.2); c.2515C>T, p.Leu839= (NM_001318831.2, NM_001406687.1, NM_001406688.1); c.3148C>T, p.Leu1050= (NM_001318832.2); c.3118C>T, p.Leu1040= (NM_001363528.2, NM_001370405.1, NM_021055.3); c.3244C>T, p.Leu1082= (NM_001406663.1, NM_001406664.1); and 18 more.
Identifiers: ClinVar variation 1729356 (VCV001729356.6), dbSNP rs752010244, ClinGen allele CA044948.

ClinVar aggregate classification (germline): Benign/Likely benign. Review status: criteria provided, multiple submitters, no conflicts (2 of 4 stars). 3 submissions from 3 submitters: Benign (1); Likely benign (2). Last evaluated 2025-11-10.

Conditions:
Tuberous sclerosis 2 (TSC2). Identifiers: Orphanet 805, MedGen C1860707, MONDO:0013199, OMIM 613254.
Hereditary cancer-predisposing syndrome. Also called: Neoplastic Syndromes, Hereditary; Tumor predisposition; Hereditary Cancer Syndrome; Hereditary neoplastic syndrome. Identifiers: Orphanet 140162, MedGen C0027672, MeSH D009386, MONDO:0015356.

Allele frequency attached by ClinVar (database versions not stated): ExAC 0.00001.

Submissions (3):

Labcorp Genetics (formerly Invitae), Labcorp
Classification: Likely benign for Tuberous sclerosis 2. Last evaluated: 2025-11-10. Review status: criteria provided, single submitter. Criteria: Invitae Variant Classification Sherloc (09022015). Collection method: clinical testing. Allele origin: germline.

Myriad Genetics, Inc.
Classification: Benign for Tuberous sclerosis 2. Last evaluated: 2025-05-28. Review status: criteria provided, single submitter. Criteria: Myriad Autosomal Dominant, Autosomal Recessive and X-Linked Classification Criteria (2023). Collection method: clinical testing. Allele origin: unknown.
Comment: This variant is considered benign. This variant is a silent/synonymous amino acid change and it is not expected to impact splicing.

Ambry Genetics
Classification: Likely benign for Hereditary cancer-predisposing syndrome. Last evaluated: 2021-08-04. Review status: criteria provided, single submitter. Criteria: Ambry Variant Classification Scheme 2023. Collection method: clinical testing. Allele origin: germline.